The following is an entry in ClinVar:

NM_000525.4(KCNJ11):c.291C>A (p.His97Gln)

Gene: KCNJ11 (potassium inwardly rectifying channel subfamily J member 11; minus strand). Cytogenetic location: 11p15.1.
Variant type: single nucleotide variant.
Coding change: c.291C>A on transcript NM_000525.4 (MANE Select); coding-DNA position 291, C replaced by A.
Protein change: p.His97Gln; replaces histidine 97 with glutamine.
Molecular consequence: missense variant.
Genome position (GRCh38, 1-based): chr11:17,387,801, G>T on the plus strand (C>A on the coding strand, the complement: KCNJ11 is on the minus strand). VCF-style: chr11-17387801-G-T. GRCh37 (hg19) VCF-style: chr11-17409348-G-T.
Other names: c.30C>A, p.His10Gln (NM_001166290.2, NM_001377296.1, NM_001377297.1); short protein forms H10Q, H97Q.
Identifiers: ClinVar variation 3252681 (VCV003252681.1), dbSNP rs371886780.

ClinVar aggregate classification (germline): Uncertain significance (1 of 4 stars; one submission).

Allele frequency attached by ClinVar (database versions not stated): ESP Exome Variant Server 0.00008.

Submission:

GeneDx
Classification: Uncertain significance. Last evaluated: 2023-10-05. Review status: criteria provided, single submitter. Criteria: GeneDx Variant Classification Process June 2021. Collection method: clinical testing. Allele origin: germline. Affected: yes.
Comment: Not observed at significant frequency in large population cohorts (gnomAD); In silico analysis supports that this missense variant has a deleterious effect on protein structure/function; Has not been previously published as pathogenic or benign to our knowledge